The following is an entry in ClinVar:

NM_007294.4(BRCA1):c.3642_3643del (p.Asn1215fs)

Genes: BRCA1 (BRCA1 DNA repair associated; minus strand), LOC126862571 (BRD4-independent group 4 enhancer GRCh37_chr17:41243136-41244335; plus strand). Cytogenetic location: 17q21.31.
Variant type: Microsatellite.
Coding change: c.3642_3643del on transcript NM_007294.4 (MANE Select); coding-DNA positions 3642 to 3643, 2 bases deleted (GA; older notation c.3642_3643delGA).
Protein change: p.Asn1215fs; shifts the reading frame from asparagine 1215.
Molecular consequence: frameshift variant. On other transcripts: intron variant (135).
Genome position (GRCh38, 1-based): chr17:43,091,888-43,091,889, TC deleted on the plus strand (GA on the coding strand, the reverse complement: BRCA1 is on the minus strand); deleting any 2 consecutive bases within chr17:43,091,888-43,091,892 gives the same sequence; the c. name uses the placement nearest the transcript's 3' end. VCF-style (leftmost placement, unchanged base first): chr17-43091887-TTC-T. GRCh37 (hg19) VCF-style: chr17-41243904-TTC-T.
Other names: 3761delGA; c.3309_3310del, p.Asn1104fs (NM_001407952.1, NM_001407953.1, NM_001407957.1 and 6 more transcripts); c.3306_3307del, p.Asn1103fs (NM_001407954.1, NM_001407955.1, NM_001407956.1 and 1 more transcripts); c.3261_3262del, p.Asn1088fs (NM_001407959.1, NM_001407960.1, NM_001407963.1); c.3258_3259del, p.Asn1087fs (NM_001407962.1); c.3498_3499del, p.Asn1167fs (NM_001407964.1, NM_001407740.1, NM_001407741.1 and 20 more transcripts); c.3138_3139del, p.Asn1047fs (NM_001407965.1); c.2754_2755del, p.Asn919fs (NM_001407966.1, NM_001407967.1); and 43 more; short protein forms N1215fs, N1168fs, N1047fs, N1104fs, N1145fs, N1214fs, N919fs, N1103fs.
Identifiers: ClinVar variation 54950 (VCV000054950.25), dbSNP rs80357805, ClinGen allele CA002330.

ClinVar aggregate classification (germline): Pathogenic. Review status: reviewed by expert panel (3 of 4 stars). 10 submissions from 10 submitters: Pathogenic (1). 9 of the submissions do not count toward it. Last evaluated 2016-09-08.

Conditions:
Hereditary cancer-predisposing syndrome. Also called: Hereditary Cancer Syndrome; Hereditary neoplastic syndrome; Neoplastic Syndromes, Hereditary; Tumor predisposition. Identifiers: Orphanet 140162, MedGen C0027672, MeSH D009386, MONDO:0015356.
Breast and/or ovarian cancer. Identifiers: MedGen CN221562.
Breast-ovarian cancer, familial, susceptibility to, 1 (BROVCA1). Also called: BRCA1 Hereditary Breast and Ovarian Cancer; OVARIAN CANCER, SUSCEPTIBILITY TO. Identifiers: Orphanet 145, MedGen C2676676, MONDO:0011450, OMIM 604370. Disease mechanism: loss of function.
BRCA1-related cancer predisposition. Identifiers: MedGen CN377757, MONDO:0700268.
Hereditary breast ovarian cancer syndrome. Also called: BRCA1- and BRCA2-Associated Hereditary Breast and Ovarian Cancer; Hereditary breast and ovarian cancer syndrome; Hereditary breast and ovarian cancer syndrome (HBOC); Breast and ovarian cancer; Hereditary breast and/or ovarian cancer syndrome; Hereditary breast and ovarian cancer. Identifiers: Orphanet 145, MedGen C0677776, MeSH D061325, MONDO:0003582. Disease mechanism: loss of function.

Submissions (10):

Evidence-based Network for the Interpretation of Germline Mutant Alleles (ENIGMA)
Classification: Pathogenic for Breast-ovarian cancer, familial, susceptibility to, 1. Last evaluated: 2016-09-08. Review status: reviewed by expert panel. Criteria: ENIGMA BRCA1/2 Classification Criteria (2015). Collection method: curation. Allele origin: germline.
Comment: Variant allele predicted to encode a truncated non-functional protein.

Ambry Genetics
Classification: Pathogenic for Hereditary cancer-predisposing syndrome. Last evaluated: 2025-09-23. Review status: criteria provided, single submitter. Criteria: Ambry Variant Classification Scheme 2023. Collection method: clinical testing. Allele origin: germline. Not counted in ClinVar's aggregate classification.
Comment: The c.3642_3643delGA pathogenic mutation, located in coding exon 9 of the BRCA1 gene, results from a deletion of two nucleotides at nucleotide positions 3642 to 3643, causing a translational frameshift with a predicted alternate stop codon (p.N1215Lfs*3). This mutation (designated as 3761-3762delGA) has previously been reported in a family with three relatives affected with breast and/or ovarian cancer (Machackova E et al. Hum. Mutat. 2001 Dec; 18(6):545). This variant is considered to be rare based on population cohorts in the Genome Aggregation Database (gnomAD). In addition to the clinical data presented in the literature, this alteration is expected to result in loss of function by premature protein truncation or nonsense-mediated mRNA decay. As such, this alteration is interpreted as a disease-causing mutation.

Labcorp Genetics (formerly Invitae), Labcorp
Classification: Pathogenic for Hereditary breast ovarian cancer syndrome. Last evaluated: 2024-07-16. Review status: criteria provided, single submitter. Criteria: Invitae Variant Classification Sherloc (09022015). Collection method: clinical testing. Allele origin: germline. Not counted in ClinVar's aggregate classification.
Comment: This sequence change creates a premature translational stop signal (p.Asn1215Leufs*3) in the BRCA1 gene. It is expected to result in an absent or disrupted protein product. Loss-of-function variants in BRCA1 are known to be pathogenic (PMID: 20104584). This variant is not present in population databases (gnomAD no frequency). This premature translational stop signal has been observed in individual(s) with breast and/or ovarian cancer (PMID: 11748848, 18489799). This variant is also known as 3761_3762delGA. ClinVar contains an entry for this variant (Variation ID: 54950). For these reasons, this variant has been classified as Pathogenic.

All of Us Research Program, National Institutes of Health
Classification: Pathogenic for BRCA1-related cancer predisposition. Last evaluated: 2024-07-10. Review status: criteria provided, single submitter. Criteria: ACMG Guidelines, 2015. Collection method: clinical testing. Allele origin: germline. Inheritance: Autosomal dominant inheritance. Observed: 1 variant allele, 1 heterozygote. Not counted in ClinVar's aggregate classification.
Comment: This variant deletes 2 nucleotides in exon 10 of the BRCA1 gene, creating a frameshift and premature translation stop signal. This variant is expected to result in an absent or non-functional protein product. This variant has been reported in at least 3 unrelated individuals affected with breast or ovarian cancer and at 10 suspected hereditary breast and ovarian cancer families (PMID: 11748848, 18489799, 31341520, 31409081). A multifactorial analysis has reported a likelihood ratio (LR) for pathogenicity based on health history of log(LR) = 0.2028528005 (PMID: 31853058). This variant has not been identified in the general population by the Genome Aggregation Database (gnomAD). Loss of BRCA1 function is a known mechanism of disease. Based on the available evidence, this variant is classified as Pathogenic.

This study involves interpretation of variants in research participants for the purpose of population health screening. Participant phenotype was not available at the time of variant classification. Additional details can be found in publication PMID: 35346344, PMCID: PMC8962531

Women's Health and Genetics/Laboratory Corporation of America, LabCorp
Classification: Pathogenic for Hereditary breast and ovarian cancer syndrome. Last evaluated: 2018-09-26. Review status: criteria provided, single submitter. Criteria: LabCorp Variant Classification Summary - May 2015. Collection method: clinical testing. Allele origin: germline. Not counted in ClinVar's aggregate classification.
Comment: Variant summary: BRCA1 c.3642_3643delGA (p.Asn1215LeufsX3) results in a premature termination codon, predicted to cause a truncation of the encoded protein or absence of the protein due to nonsense mediated decay, which are commonly known mechanisms for disease. The variant was absent in 246070 control chromosomes (gnomAD). The variant, c.3642_3643delGA, has been reported in the literature in individuals affected with Hereditary Breast and Ovarian Cancer (Machackova_2001, Machackova_2008). These data indicate that the variant may be associated with disease. To our knowledge, no experimental evidence demonstrating an impact on protein function has been reported. Five ClinVar submissions from clinical diagnostic laboratories (evaluation after 2014) cites the variant as pathogenic. Based on the evidence outlined above, the variant was classified as pathogenic.

GeneDx
Classification: Pathogenic. Last evaluated: 2018-09-24. Review status: criteria provided, single submitter. Criteria: GeneDx Variant Classification (06012015). Collection method: clinical testing. Allele origin: germline. Affected: yes. Not counted in ClinVar's aggregate classification.
Comment: This deletion of two nucleotides in BRCA1 is denoted c.3642_3643delGA at the cDNA level and p.Asn1215LeufsX3 (N1215LfsX3) at the protein level. The normal sequence, with the bases that are deleted in brackets, is AAGA[delGA]ACTT. The deletion causes a frameshift which changes an Asparagine to a Leucine at codon 1215, and creates a premature stop codon at position 3 of the new reading frame. This variant is predicted to cause loss of normal protein function through either protein truncation or nonsense-mediated mRNA decay. BRCA1 c.3642_3643delGA, also reported as BRCA1 3761_3762delGA using alternate nomenclature, has been reported in association with breast and ovarian cancer (Machackova 2001, Foretova 2004). We consider this variant to be pathogenic.

PreventionGenetics, part of Exact Sciences
Classification: Pathogenic. Last evaluated: 2017-08-11. Review status: criteria provided, single submitter. Criteria: ACMG Guidelines, 2015. Collection method: clinical testing. Allele origin: germline. Not counted in ClinVar's aggregate classification.

Consortium of Investigators of Modifiers of BRCA1/2 (CIMBA), c/o University of Cambridge
Classification: Pathogenic for Breast-ovarian cancer, familial, susceptibility to, 1. Last evaluated: 2015-10-02. Review status: criteria provided, single submitter. Criteria: CIMBA Mutation Classification guidelines May 2016. Collection method: clinical testing. Allele origin: germline. Not counted in ClinVar's aggregate classification.

CZECANCA consortium
Classification: Pathogenic for Breast and/or ovarian cancer. Last evaluated: 2019-06-11. Review status: no assertion criteria provided. Collection method: clinical testing. Allele origin: germline. Affected: yes. Observed: 2 variant alleles. Not counted in ClinVar's aggregate classification.

Breast Cancer Information Core (BIC) (BRCA1)
Classification: Pathogenic for Breast-ovarian cancer, familial 1. Last evaluated: 2006-07-19. Review status: no assertion criteria provided. Collection method: clinical testing. Allele origin: germline. Affected: yes. Observed: 3 variant alleles. Not counted in ClinVar's aggregate classification.

Literature cited by the submitters: PubMed 11748848 (cited by 5 submitters); PubMed 20104584 (cited by Labcorp Genetics (formerly Invitae), Labcorp); PubMed 18489799 (cited by 3 submitters); PubMed 31341520 (cited by All of Us Research Program, National Institutes of Health); PubMed 31409081 (cited by All of Us Research Program, National Institutes of Health); PubMed 31853058 (cited by All of Us Research Program, National Institutes of Health); PubMed 20222996 (cited by Women's Health and Genetics/Laboratory Corporation of America, LabCorp); PubMed 32295079 (cited by CZECANCA consortium).